The following is an entry in ClinVar:

ClinVar aggregate classification (germline): Uncertain significance (1 of 4 stars; one submission).

Allele frequency attached by ClinVar (database versions not stated): ExAC 0.00002; gnomAD 0.00003; TOPMed 0.00004.
gnomAD v4.1: 196 of 1,612,586 alleles (0.012%); highest among the groups gnomAD compares: Non-Finnish European, 0.016%; no homozygotes.

Submission:

Labcorp Genetics (formerly Invitae), Labcorp
Classification: Uncertain significance. Last evaluated: 2022-07-19. Review status: criteria provided, single submitter. Criteria: Invitae Variant Classification Sherloc (09022015). Collection method: clinical testing. Allele origin: germline.
Comment: This sequence change replaces proline, which is neutral and non-polar, with alanine, which is neutral and non-polar, at codon 2882 of the LAMA5 protein (p.Pro2882Ala). In summary, the available evidence is currently insufficient to determine the role of this variant in disease. Therefore, it has been classified as a Variant of Uncertain Significance. Algorithms developed to predict the effect of sequence changes on RNA splicing suggest that this variant may create or strengthen a splice site. Algorithms developed to predict the effect of missense changes on protein structure and function are either unavailable or do not agree on the potential impact of this missense change (SIFT: "Deleterious"; PolyPhen-2: "Benign"; Align-GVGD: "Class C0"). This variant has not been reported in the literature in individuals affected with LAMA5-related conditions. This variant is present in population databases (rs778942433, gnomAD 0.006%).

NM_005560.6(LAMA5):c.8644C>G (p.Pro2882Ala)

Gene: LAMA5 (laminin subunit alpha 5; minus strand). Cytogenetic location: 20q13.33.
Variant type: single nucleotide variant.
Coding change: c.8644C>G on transcript NM_005560.6 (MANE Select); coding-DNA position 8644, C replaced by G.
Protein change: p.Pro2882Ala; replaces proline 2882 with alanine.
Molecular consequence: missense variant.
Genome position (GRCh38, 1-based): chr20:62,313,663, G>C on the plus strand (C>G on the coding strand, the complement: LAMA5 is on the minus strand). VCF-style: chr20-62313663-G-C. GRCh37 (hg19) VCF-style: chr20-60888719-G-C.
Other names: short protein forms P2882A.
Identifiers: ClinVar variation 1979169 (VCV001979169.4), dbSNP rs778942433, ClinGen allele CA9940624.
Genomic context (GRCh38, chr20:62,313,663, plus strand): 5'-GGGCTGCGGAGCCCCTCCCAGGCTGCCCCAGGCCGGGCGGGCTCACCGTGAAGGTACTGG[G>C]GTACCCCCCGACGTAGAAGACGAAGTCGTCTGGCCGCAGGTTGAGCAGCCCCTCTGCCCC-3'
Protein context (NP_005551.3, residues 2872-2892): DDFVFYVGGY[Pro2882Ala]STFTPPPLLR